The following is an entry in ClinVar:

ClinVar aggregate classification (germline): Uncertain significance. Review status: criteria provided, multiple submitters, no conflicts (2 of 4 stars). 2 submissions from 2 submitters: Uncertain significance (2). Last evaluated 2025-10-20.

Conditions:
Wilson disease (WND). Also called: Wilson's disease. Identifiers: Orphanet 905, MedGen C0019202, MONDO:0010200, OMIM 277900. Disease mechanism: loss of function.

Allele frequency attached by ClinVar (database versions not stated): gnomAD exomes below 0.00001; TOPMed below 0.00001.
gnomAD v4.1: 3 of 1,614,108 alleles (0.00019%); highest among the groups gnomAD compares: Non-Finnish European, 0.00025%; no homozygotes.

Submissions (2):

Women's Health and Genetics/Laboratory Corporation of America, LabCorp
Classification: Uncertain significance. Last evaluated: 2025-10-20. Review status: criteria provided, single submitter. Criteria: LabCorp Variant Classification Summary - May 2015. Collection method: clinical testing. Allele origin: germline.
Comment: Variant summary: ATP7B c.3235T>C (p.Cys1079Arg) results in a non-conservative amino acid change located in the P-type ATPase, haloacid dehalogenase domain (IPR044492) of the encoded protein sequence. Algorithms developed to predict the effect of missense changes on protein structure and function all suggest that this variant is likely to be disruptive. The variant was absent in 249110 control chromosomes. The available data on variant occurrences in the general population are insufficient to allow any conclusion about variant significance. c.3235T>C has been observed in individual(s) affected with Wilson Disease (internal data). These data do not allow any conclusion about variant significance. To our knowledge, no experimental evidence demonstrating an impact on protein function has been reported. ClinVar contains an entry for this variant (Variation ID: 1018093). Based on the evidence outlined above, the variant was classified as uncertain significance.

Labcorp Genetics (formerly Invitae), Labcorp
Classification: Uncertain significance for Wilson disease. Last evaluated: 2020-07-27. Review status: criteria provided, single submitter. Criteria: Invitae Variant Classification Sherloc (09022015). Collection method: clinical testing. Allele origin: germline.
Comment: This variant has been observed in individual(s) with clinical features of Wilson's disease (Invitae). In at least one individual the data is consistent with the variant being in trans (on the opposite chromosome) from a pathogenic variant. Algorithms developed to predict the effect of missense changes on protein structure and function (SIFT, PolyPhen-2, Align-GVGD) all suggest that this variant is likely to be disruptive, but these predictions have not been confirmed by published functional studies and their clinical significance is uncertain. This variant disrupts the p.Cys1079 amino acid residue in ATP7B. Other variant(s) that disrupt this residue have been observed in individuals with ATP7B-related conditions (PMID: 21796144), which suggests that this may be a clinically significant amino acid residue. In summary, the available evidence is currently insufficient to determine the role of this variant in disease. Therefore, it has been classified as a Variant of Uncertain Significance. This variant is not present in population databases (ExAC no frequency). This sequence change replaces cysteine with arginine at codon 1079 of the ATP7B protein (p.Cys1079Arg). The cysteine residue is highly conserved and there is a large physicochemical difference between cysteine and arginine.

Literature cited by the submitters: PubMed 21796144 (cited by Labcorp Genetics (formerly Invitae), Labcorp).

NM_000053.4(ATP7B):c.3235T>C (p.Cys1079Arg)

Gene: ATP7B (ATPase copper transporting beta; minus strand). Cytogenetic location: 13q14.3.
Variant type: single nucleotide variant.
Coding change: c.3235T>C on transcript NM_000053.4 (MANE Select); coding-DNA position 3235, T replaced by C.
Protein change: p.Cys1079Arg; replaces cysteine 1079 with arginine.
Molecular consequence: missense variant.
Genome position (GRCh38, 1-based): chr13:51,944,117, A>G on the plus strand (T>C on the coding strand, the complement: ATP7B is on the minus strand). VCF-style: chr13-51944117-A-G. GRCh37 (hg19) VCF-style: chr13-52518253-A-G.
Other names: c.2614T>C, p.Cys872Arg (NM_001005918.3); c.2902T>C, p.Cys968Arg (NM_001243182.2); c.3001T>C, p.Cys1001Arg (NM_001330578.2); c.2983T>C, p.Cys995Arg (NM_001330579.2); short protein forms C1001R, C1079R, C872R, C968R, C995R.
Identifiers: ClinVar variation 1018093 (VCV001018093.10), dbSNP rs1376645882, ClinGen allele CA388029778.